The following is an entry in ClinVar:

ClinVar aggregate classification (germline): Likely pathogenic (1 of 4 stars; one submission).

Conditions:
Bethlem myopathy 1A. Also called: MYOPATHY, BENIGN CONGENITAL, WITH CONTRACTURES; Bethlem myopathy 1; Bethlem Muscular Dystrophy. Identifiers: Orphanet 610, MedGen CN029274, MONDO:0024530, OMIM 158810.

Submission:

3billion
Classification: Likely pathogenic for Bethlem myopathy 1A. Last evaluated: 2023-02-23. Review status: criteria provided, single submitter. Criteria: ACMG Guidelines, 2015. Collection method: clinical testing. Allele origin: unknown. Affected: yes.
Comment: The variant is not observed in the gnomAD v2.1.1 dataset. This variant was predicted to result in a loss or disruption of normal protein function through protein truncation. The predicted truncated protein may be shortened by more than 10%. Therefore, this variant is classified as Likely pathogenic according to the recommendation of ACMG/AMP guideline.

NM_001849.4(COL6A2):c.2638_2656dup (p.Gly886fs)

Gene: COL6A2 (collagen type VI alpha 2 chain; plus strand). Cytogenetic location: 21q22.3.
Variant type: Duplication.
Coding change: c.2638_2656dup on transcript NM_001849.4 (MANE Select); coding-DNA positions 2638 to 2656, 19 bases duplicated (CTGCAGTTTGGTGGCCCCG).
Protein change: p.Gly886fs; shifts the reading frame from glycine 886.
Molecular consequence: frameshift variant.
Genome position (GRCh38, 1-based): chr21:46,132,130-46,132,148, CTGCAGTTTGGTGGCCCCG duplicated; duplicating any 19 consecutive bases within chr21:46,132,129-46,132,148 gives the same sequence; the c. name uses the placement nearest the transcript's 3' end. VCF-style (leftmost placement, unchanged base first): chr21-46132128-T-TGCTGCAGTTTGGTGGCCCC. GRCh37 (hg19) VCF-style: chr21-47552042-T-TGCTGCAGTTTGGTGGCCCC.
Other names: short protein forms G886fs.
Identifiers: ClinVar variation 2444384 (VCV002444384.1), dbSNP rs2517029574, ClinGen allele CA2580098989.